The following is an entry in ClinVar:

NM_000059.4(BRCA2):c.6034dup (p.Ser2012fs)

Gene: BRCA2 (BRCA2 DNA repair associated; plus strand). Cytogenetic location: 13q13.1.
Variant type: Duplication.
Coding change: c.6034dup on transcript NM_000059.4 (MANE Select); coding-DNA position 6034, one base duplicated (T; older notation c.6034dupT).
Protein change: p.Ser2012fs; shifts the reading frame from serine 2012.
Molecular consequence: frameshift variant.
Genome position (GRCh38, 1-based): chr13:32,340,389, T duplicated; the last of 4 consecutive T bases (chr13:32,340,386-32,340,389); duplicating any one gives the same sequence. VCF-style (leftmost placement, unchanged base first): chr13-32340385-C-CT. GRCh37 (hg19) VCF-style: chr13-32914522-C-CT.
Other names: c.6034dupT (NM_000059.3); short protein forms S2012fs.
Identifiers: ClinVar variation 440429 (VCV000440429.8), dbSNP rs397507823, ClinGen allele CA645509064.
Genomic context (GRCh38, chr13:32,340,385, plus strand): 5'-TGCTTCATTACAAAACGCAAGACAAGTGTTTTCTGAAATAGAAGATAGTACCAAGCAAGT[C>CT]TTTTCCAAAGTATTGTTTAAAAGTAACGAACATTCAGACCAGCTCACAAGAGAAGAAAAT-3'

ClinVar aggregate classification (germline): Pathogenic. Review status: reviewed by expert panel (3 of 4 stars). 5 submissions from 5 submitters: Pathogenic (1). 4 of the submissions do not count toward it. Last evaluated 2017-12-15.

Conditions:
Hereditary cancer-predisposing syndrome. Also called: Neoplastic Syndromes, Hereditary; Tumor predisposition; Hereditary neoplastic syndrome; Hereditary Cancer Syndrome. Identifiers: Orphanet 140162, MedGen C0027672, MeSH D009386, MONDO:0015356.
BRCA2-related disorder. Also called: BRCA2-related condition; BRCA2-related disorders. Identifiers: MedGen CN239275.
Hereditary breast ovarian cancer syndrome. Also called: Breast and ovarian cancer; BRCA1- and BRCA2-Associated Hereditary Breast and Ovarian Cancer; Hereditary breast and ovarian cancer; Hereditary breast and/or ovarian cancer syndrome; Hereditary breast and ovarian cancer syndrome; Hereditary breast and ovarian cancer syndrome (HBOC). Identifiers: Orphanet 145, MedGen C0677776, MeSH D061325, MONDO:0003582. Disease mechanism: loss of function.
Breast-ovarian cancer, familial, susceptibility to, 2 (BROVCA2). Also called: BRCA2 Hereditary Breast and Ovarian Cancer. Identifiers: Orphanet 145, MedGen C2675520, MONDO:0012933, OMIM 612555. Disease mechanism: loss of function.

Allele frequency attached by ClinVar (database versions not stated): ExAC 0.00001; gnomAD exomes below 0.00001.

Submissions (5):

Evidence-based Network for the Interpretation of Germline Mutant Alleles (ENIGMA)
Classification: Pathogenic for Breast-ovarian cancer, familial, susceptibility to, 2. Last evaluated: 2017-12-15. Review status: reviewed by expert panel. Criteria: ENIGMA BRCA1/2 Classification Criteria (2017-06-29). Collection method: curation. Allele origin: germline. Study: ENIGMA.
Comment: Variant allele predicted to encode a truncated non-functional protein.

Ambry Genetics
Classification: Pathogenic for Hereditary cancer-predisposing syndrome. Last evaluated: 2025-12-18. Review status: criteria provided, single submitter. Criteria: Ambry Variant Classification Scheme 2023. Collection method: clinical testing. Allele origin: germline. Not counted in ClinVar's aggregate classification.
Comment: The c.6034dupT pathogenic mutation, located in coding exon 10 of the BRCA2 gene, results from a duplication of T at nucleotide position 6034, causing a translational frameshift with a predicted alternate stop codon (p.S2012Ffs*6). This variant was reported in individual(s) with features consistent with BRCA2-related cancer predisposition (Heramb C et al. Hered Cancer Clin Pract, 2018 Jan;16:3). This variant is considered to be rare based on population cohorts in the Genome Aggregation Database (gnomAD). This alteration is expected to result in loss of function by premature protein truncation or nonsense-mediated mRNA decay. As such, this alteration is interpreted as a disease-causing mutation.

Labcorp Genetics (formerly Invitae), Labcorp
Classification: Pathogenic for Hereditary breast ovarian cancer syndrome. Last evaluated: 2025-07-24. Review status: criteria provided, single submitter. Criteria: Invitae Variant Classification Sherloc (09022015). Collection method: clinical testing. Allele origin: germline. Not counted in ClinVar's aggregate classification.
Comment: This sequence change creates a premature translational stop signal (p.Ser2012Phefs*6) in the BRCA2 gene. It is expected to result in an absent or disrupted protein product. Loss-of-function variants in BRCA2 are known to be pathogenic (PMID: 20104584). This variant is not present in population databases (gnomAD no frequency). This variant has not been reported in the literature in individuals affected with BRCA2-related conditions. ClinVar contains an entry for this variant (Variation ID: 440429). For these reasons, this variant has been classified as Pathogenic.

Department of Medical Genetics, Oslo University Hospital
Classification: Pathogenic for Breast-ovarian cancer, familial, susceptibility to, 2. Last evaluated: 2015-07-01. Review status: criteria provided, single submitter. Criteria: ACMG Guidelines, 2015. Collection method: clinical testing. Allele origin: germline. Affected: yes. Observed: 3 variant alleles. Not counted in ClinVar's aggregate classification.

PreventionGenetics, part of Exact Sciences
Classification: Pathogenic for BRCA2-related condition. Last evaluated: 2023-12-12. Review status: no assertion criteria provided. Collection method: clinical testing. Allele origin: germline. Not counted in ClinVar's aggregate classification.
Comment: The BRCA2 c.6034dupT variant is predicted to result in a frameshift and premature protein termination (p.Ser2012Phefs*6). This variant was reported in three individuals from a family in a BRCA1/BRCA2 variant registry; however, detailed clinical information was not available (Heramb et al. 2018. PubMed ID: 29339979). This variant has not been reported in a large population database, indicating this variant is rare. This variant is interpreted as pathogenic in ClinVar. Frameshift variants in BRCA2 are expected to be pathogenic. This variant is interpreted as pathogenic.

Literature cited by the submitters: PubMed 29339979 (cited by Ambry Genetics); PubMed 20104584 (cited by Labcorp Genetics (formerly Invitae), Labcorp).